The following is an entry in ClinVar:

NM_004484.4(GPC3):c.191T>C (p.Val64Ala)

Gene: GPC3 (glypican 3; minus strand). Cytogenetic location: Xq26.2.
Variant type: single nucleotide variant.
Coding change: c.191T>C on transcript NM_004484.4 (MANE Select); coding-DNA position 191, T replaced by C.
Protein change: p.Val64Ala; replaces valine 64 with alanine.
Molecular consequence: missense variant. On other transcripts: intron variant (1).
Genome position (GRCh38, 1-based): chrX:133,953,196, A>G on the plus strand (T>C on the coding strand, the complement: GPC3 is on the minus strand). VCF-style: chrX-133953196-A-G. GRCh37 (hg19) VCF-style: chrX-133087223-A-G.
Other names: c.191T>C, p.Val64Ala (NM_001164617.2, NM_001164618.2); c.175+32079T>C (NM_001164619.2); short protein forms V64A.
Identifiers: ClinVar variation 1782651 (VCV001782651.2), dbSNP rs2521895935, ClinGen allele CA414707596.

ClinVar aggregate classification (germline): Uncertain significance (1 of 4 stars; one submission).

Conditions:
Inborn genetic diseases. Identifiers: MedGen C0950123, MeSH D030342.

Submission:

Ambry Genetics
Classification: Uncertain significance for Inborn genetic diseases. Last evaluated: 2018-01-22. Review status: criteria provided, single submitter. Criteria: Ambry Variant Classification Scheme 2023. Collection method: clinical testing. Allele origin: germline.
Comment: The p.V64A variant (also known as c.191T>C), located in coding exon 2 of the GPC3 gene, results from a T to C substitution at nucleotide position 191. The valine at codon 64 is replaced by alanine, an amino acid with similar properties. This amino acid position is highly conserved in available vertebrate species. In addition, the in silico prediction for this alteration is inconclusive. Since supporting evidence is limited at this time, the clinical significance of this alteration remains unclear.